The following is an entry in ClinVar:

NM_001110556.2(FLNA):c.1502C>T (p.Ala501Val)

Gene: FLNA (filamin A; minus strand). Cytogenetic location: Xq28.
Variant type: single nucleotide variant.
Coding change: c.1502C>T on transcript NM_001110556.2 (MANE Select); coding-DNA position 1502, C replaced by T.
Protein change: p.Ala501Val; replaces alanine 501 with valine.
Molecular consequence: missense variant.
Genome position (GRCh38, 1-based): chrX:154,365,414, G>A on the plus strand (C>T on the coding strand, the complement: FLNA is on the minus strand). VCF-style: chrX-154365414-G-A. GRCh37 (hg19) VCF-style: chrX-153593782-G-A.
Other names: c.1502C>T, p.Ala501Val (NM_001456.4); short protein forms A501V.
Identifiers: ClinVar variation 3764066 (VCV003764066.2).

ClinVar aggregate classification (germline): Uncertain significance (1 of 4 stars; one submission).

Conditions:
Oto-palato-digital syndrome, type II (OPD2). Also called: Otopalatodigital Syndrome Type 2 (FLNA-OPD2); FACIOPALATOOSSEOUS SYNDROME; OPD II SYNDROME; Otopalatodigital Syndrome, Type II. Identifiers: Orphanet 669, Orphanet 90652, MedGen C1844696, MONDO:0010571, OMIM 304120.
Heterotopia, periventricular, X-linked dominant (PVNH1). Also called: PERIVENTRICULAR NODULAR HETEROTOPIA 1; X-linked periventricular heterotopia; PERIVENTRICULAR NODULAR HETEROTOPIA 4; HETEROTOPIA, PERIVENTRICULAR, 1. Identifiers: Orphanet 2149, Orphanet 82004, MedGen C1848213, MONDO:0010233, OMIM 300049.
Frontometaphyseal dysplasia (FMD1). Identifiers: Orphanet 1826, MedGen C0265293, MONDO:0015942.
Melnick-Needles syndrome (MNS). Also called: Melnick-Needles Syndrome (FLNA-MNS); MELNICK-NEEDLES OSTEODYSPLASTY; OSTEODYSPLASTY OF MELNICK AND NEEDLES. Identifiers: Orphanet 2484, MedGen C0025237, MONDO:0010650, OMIM 309350.

Submission:

Labcorp Genetics (formerly Invitae), Labcorp
Classification: Uncertain significance for Oto-palato-digital syndrome, type II; Heterotopia, periventricular, X-linked dominant; Frontometaphyseal dysplasia; Melnick-Needles syndrome. Last evaluated: 2024-06-25. Review status: criteria provided, single submitter. Criteria: Invitae Variant Classification Sherloc (09022015). Collection method: clinical testing. Allele origin: germline.
Comment: This sequence change replaces alanine, which is neutral and non-polar, with valine, which is neutral and non-polar, at codon 501 of the FLNA protein (p.Ala501Val). This variant is not present in population databases (gnomAD no frequency). This variant has not been reported in the literature in individuals affected with FLNA-related conditions. Advanced modeling of protein sequence and biophysical properties (such as structural, functional, and spatial information, amino acid conservation, physicochemical variation, residue mobility, and thermodynamic stability) performed at Invitae indicates that this missense variant is not expected to disrupt FLNA protein function with a negative predictive value of 95%. In summary, the available evidence is currently insufficient to determine the role of this variant in disease. Therefore, it has been classified as a Variant of Uncertain Significance.